The following is an entry in ClinVar:

NM_001365999.1(SZT2):c.2814+2T>G

Gene: SZT2 (SZT2 subunit of KICSTOR complex; plus strand). Cytogenetic location: 1p34.2.
Variant type: single nucleotide variant.
Coding change: c.2814+2T>G on transcript NM_001365999.1 (MANE Select); the canonical splice donor site of the intron after coding-DNA position 2814, T replaced by G.
Molecular consequence: splice donor variant.
Genome position (GRCh38, 1-based): chr1:43,425,644, T>G. VCF-style: chr1-43425644-T-G. GRCh37 (hg19) VCF-style: chr1-43891315-T-G.
Other names: c.2814+2T>G (NM_015284.4).
Identifiers: ClinVar variation 3370429 (VCV003370429.1).

ClinVar aggregate classification (germline): Likely pathogenic (0 of 4 stars; one submission).

Conditions:
Developmental and epileptic encephalopathy, 18 (DEE18). Also called: Early infantile epileptic encephalopathy 18. Identifiers: Orphanet 369894, MedGen C3809624, MONDO:0014201, OMIM 615476.

Submission:

Department of Genetics, Suzhou Beikang Medical Laboratory
Classification: Likely pathogenic for Developmental and epileptic encephalopathy, 18. Last evaluated: 2024-10-31. Review status: no assertion criteria provided. Collection method: clinical testing. Allele origin: germline. Affected: no.
Comment: This sequence change affects a donor splice site in intron 19 of the SZT2 gene. It is expected to disrupt RNA splicing. Variants that disrupt the donor or acceptor splice site typically lead to a loss of protein function (PMID: 16199547), and loss-of-function variants in SZT2 are known to be pathogenic (PMID: 23932106; 27248490, 28556953). This variant is not present in population databases (gnomAD no frequency). This variant has not been reported in the literature in individuals affected with Developmental and epileptic encephalopathy 18. Algorithms developed to predict the effect of sequence changes on RNA splicing suggest that this variant may disrupt the consensus splice site. In summary, the currently available evidence indicates that the variant is pathogenic, but additional data are needed to prove that conclusively. Therefore, this variant has been classified as Likely Pathogenic.